The following is an entry in ClinVar:

ClinVar aggregate classification (germline): Pathogenic. Review status: criteria provided, multiple submitters, no conflicts (2 of 4 stars). 2 submissions from 2 submitters: Pathogenic (2). Last evaluated 2024-06-07.

Conditions:
Mucopolysaccharidosis, MPS-II (MPS2). Also called: Mucopolysaccharidosis with skin involvement; Mucopolysaccharidosis type 2; Attenuated MPS (subtype; formerly known as mild MPS II); Severe MPS II; I2S deficiency; MPS 2. Identifiers: Orphanet 580, Orphanet 79388, MedGen C0026705, MONDO:0010674, OMIM 309900.

Submissions (2):

Laboratory of Diagnosis and Therapy of Lysosomal Disorders, University of Padova
Classification: Pathogenic for Mucopolysaccharidosis, MPS-II. Last evaluated: 2024-06-07. Review status: criteria provided, single submitter. Criteria: ACMG Guidelines, 2015. Collection method: literature only. Allele origin: germline. Affected: yes. Observed: 2 variant alleles.
Comment: Null variant (PVS1_Strong), Absent from controls (or at low frequency) in gnomAD database (PM2_Moderate), Patient’s phenotype or family history highly specific for the disease (PP4_Strong)

Classification method: ACMG Guidelines [PMID:25741868] with modifications

Labcorp Genetics (formerly Invitae), Labcorp
Classification: Pathogenic for Mucopolysaccharidosis, MPS-II. Last evaluated: 2023-07-18. Review status: criteria provided, single submitter. Criteria: Invitae Variant Classification Sherloc (09022015). Collection method: clinical testing. Allele origin: germline.
Comment: This variant is not present in population databases (gnomAD no frequency). This sequence change creates a premature translational stop signal (p.Leu482*) in the IDS gene. While this is not anticipated to result in nonsense mediated decay, it is expected to disrupt the last 69 amino acid(s) of the IDS protein. This premature translational stop signal has been observed in individual(s) with Hunter syndrome (PMID: 9660053, 33676511). Algorithms developed to predict the effect of variants on protein structure and function are not available or were not evaluated for this variant. Experimental studies have shown that this premature translational stop signal affects IDS function (PMID: 31895584). For these reasons, this variant has been classified as Pathogenic.

Literature cited by the submitters: PubMed 9660053 (cited by Laboratory of Diagnosis and Therapy of Lysosomal Disorders, University of Padova and Labcorp Genetics (formerly Invitae), Labcorp); PubMed 33676511 (cited by Laboratory of Diagnosis and Therapy of Lysosomal Disorders, University of Padova and Labcorp Genetics (formerly Invitae), Labcorp); PubMed 31895584 (cited by Labcorp Genetics (formerly Invitae), Labcorp).

NM_000202.8(IDS):c.1445T>G (p.Leu482Ter)

Gene: IDS (iduronate 2-sulfatase; minus strand). Cytogenetic location: Xq28.
Variant type: single nucleotide variant.
Coding change: c.1445T>G on transcript NM_000202.8 (MANE Select); coding-DNA position 1445, T replaced by G.
Protein change: p.Leu482Ter; replaces leucine 482 with a stop codon.
Molecular consequence: nonsense.
Genome position (GRCh38, 1-based): chrX:149,482,954, A>C on the plus strand (T>G on the coding strand, the complement: IDS is on the minus strand). VCF-style: chrX-149482954-A-C. GRCh37 (hg19) VCF-style: chrX-148564485-A-C.
Other names: c.1175T>G, p.Leu392Ter (NM_001166550.4); short protein forms L482*, L392*.
Identifiers: ClinVar variation 2737380 (VCV002737380.5), dbSNP rs2520754916, ClinGen allele CA414518079.